The following is an entry in ClinVar:

ClinVar aggregate classification (germline): Pathogenic (1 of 4 stars; one submission).

Conditions:
Fanconi anemia (FA). Also called: Fanconi's anemia. Identifiers: Orphanet 84, MedGen C0015625, MeSH D005199, MONDO:0019391.

Submission:

Labcorp Genetics (formerly Invitae), Labcorp
Classification: Pathogenic for Fanconi anemia. Last evaluated: 2023-08-16. Review status: criteria provided, single submitter. Criteria: Invitae Variant Classification Sherloc (09022015). Collection method: clinical testing. Allele origin: germline.
Comment: For these reasons, this variant has been classified as Pathogenic. This variant has not been reported in the literature in individuals affected with FANCM-related conditions. This variant is not present in population databases (gnomAD no frequency). This sequence change creates a premature translational stop signal (p.Met787Trpfs*32) in the FANCM gene. It is expected to result in an absent or disrupted protein product. Loss-of-function variants in FANCM are known to be pathogenic (PMID: 29895858, 30075111).

Literature cited by the submitters: PubMed 29895858; PubMed 30075111.

NM_020937.4(FANCM):c.2359del (p.Met787fs)

Gene: FANCM (FA complementation group M; plus strand). Cytogenetic location: 14q21.2.
Variant type: Deletion.
Coding change: c.2359del on transcript NM_020937.4 (MANE Select); coding-DNA position 2359, one base deleted (A; older notation c.2359delA).
Protein change: p.Met787fs; shifts the reading frame from methionine 787.
Molecular consequence: frameshift variant.
Genome position (GRCh38, 1-based): chr14:45,175,113, A deleted; the last of 3 consecutive A bases (chr14:45,175,111-45,175,113); deleting any one gives the same sequence. VCF-style (leftmost placement, unchanged base first): chr14-45175110-CA-C. GRCh37 (hg19) VCF-style: chr14-45644313-CA-C.
Other names: c.2281del, p.Met761fs (NM_001308133.2); short protein forms M761fs, M787fs.
Identifiers: ClinVar variation 2753030 (VCV002753030.3), dbSNP rs2503180084, ClinGen allele CA2697553917.